The following is an entry in ClinVar:

NM_003384.3(VRK1):c.323T>C (p.Leu108Pro)

Gene: VRK1 (VRK serine/threonine kinase 1; plus strand). Cytogenetic location: 14q32.2.
Variant type: single nucleotide variant.
Coding change: c.323T>C on transcript NM_003384.3 (MANE Select); coding-DNA position 323, T replaced by C.
Protein change: p.Leu108Pro; replaces leucine 108 with proline.
Molecular consequence: missense variant.
Genome position (GRCh38, 1-based): chr14:96,847,293, T>C. VCF-style: chr14-96847293-T-C. GRCh37 (hg19) VCF-style: chr14-97313630-T-C.
Other names: c.323T>C, p.Leu108Pro (NM_001411051.1, NM_001411053.1); short protein forms L108P.
Identifiers: ClinVar variation 2790812 (VCV002790812.3), dbSNP rs2504169172, ClinGen allele CA390930075.

ClinVar aggregate classification (germline): Uncertain significance (1 of 4 stars; one submission).

Conditions:
Pontocerebellar hypoplasia type 1A (PCH1A). Also called: PONTOCEREBELLAR HYPOPLASIA WITH ANTERIOR HORN CELL DISEASE; PONTOCEREBELLAR HYPOPLASIA WITH INFANTILE SPINAL MUSCULAR ATROPHY. Identifiers: Orphanet 2254, Orphanet 88616, MedGen C1843504, MONDO:0011866, OMIM 607596.

Submission:

Labcorp Genetics (formerly Invitae), Labcorp
Classification: Uncertain significance for Pontocerebellar hypoplasia type 1A. Last evaluated: 2023-12-04. Review status: criteria provided, single submitter. Criteria: Invitae Variant Classification Sherloc (09022015). Collection method: clinical testing. Allele origin: germline.
Comment: This sequence change replaces leucine, which is neutral and non-polar, with proline, which is neutral and non-polar, at codon 108 of the VRK1 protein (p.Leu108Pro). This variant is not present in population databases (gnomAD no frequency). This variant has not been reported in the literature in individuals affected with VRK1-related conditions. An algorithm developed to predict the effect of missense changes on protein structure and function (PolyPhen-2) suggests that this variant is likely to be disruptive. In summary, the available evidence is currently insufficient to determine the role of this variant in disease. Therefore, it has been classified as a Variant of Uncertain Significance.